The following is an entry in ClinVar:

NM_001378454.1(ALMS1):c.2120G>A (p.Gly707Glu)

Gene: ALMS1 (ALMS1 centrosome and basal body associated protein; plus strand). Cytogenetic location: 2p13.1.
Variant type: single nucleotide variant.
Coding change: c.2120G>A on transcript NM_001378454.1 (MANE Select); coding-DNA position 2120, G replaced by A.
Protein change: p.Gly707Glu; replaces glycine 707 with glutamic acid.
Molecular consequence: missense variant.
Genome position (GRCh38, 1-based): chr2:73,448,647, G>A. VCF-style: chr2-73448647-G-A. GRCh37 (hg19) VCF-style: chr2-73675774-G-A.
Other names: c.2123G>A, p.Gly708Glu (NM_015120.4); short protein forms G707E, G708E.
Identifiers: ClinVar variation 1382957 (VCV001382957.6), dbSNP rs1427149217, ClinGen allele CA347266783.
Genomic context (GRCh38, chr2:73,448,647, plus strand): 5'-ATCTAACTGATCAGGCTCTGAAAGTCTCAGCTGTGTCTGGACCAGCTGACCAGAAGACTG[G>A]GACAGCAACAGTACTCTCTACTCCCCACTCACATAGAGAGAAGCCTGGTATTTTTTACCA-3'
Protein context (NP_001365383.1, residues 697-717): AVSGPADQKT[Gly707Glu]TATVLSTPHS

ClinVar aggregate classification (germline): Uncertain significance (1 of 4 stars; one submission).

Conditions:
Alstrom syndrome (ALMS). Identifiers: Orphanet 64, MedGen C0268425, MONDO:0008763, OMIM 203800.

Allele frequency attached by ClinVar (database versions not stated): gnomAD exomes below 0.00001 and 0.00001; TOPMed below 0.00001.
gnomAD v4.1: 3 of 1,613,222 alleles (0.00019%); highest among the groups gnomAD compares: Non-Finnish European, 0.00025%; no homozygotes.

Submission:

Labcorp Genetics (formerly Invitae), Labcorp
Classification: Uncertain significance for Alstrom syndrome. Last evaluated: 2022-08-02. Review status: criteria provided, single submitter. Criteria: Invitae Variant Classification Sherloc (09022015). Collection method: clinical testing. Allele origin: germline.
Comment: Algorithms developed to predict the effect of missense changes on protein structure and function output the following: SIFT: "Not Available"; PolyPhen-2: "Not Available"; Align-GVGD: "Not Available". The glutamic acid amino acid residue is found in multiple mammalian species, which suggests that this missense change does not adversely affect protein function. In summary, the available evidence is currently insufficient to determine the role of this variant in disease. Therefore, it has been classified as a Variant of Uncertain Significance. ClinVar contains an entry for this variant (Variation ID: 1382957). This variant has not been reported in the literature in individuals affected with ALMS1-related conditions. This variant is present in population databases (no rsID available, gnomAD 0.0009%). This sequence change replaces glycine, which is neutral and non-polar, with glutamic acid, which is acidic and polar, at codon 708 of the ALMS1 protein (p.Gly708Glu).